The following is an entry in ClinVar:

NM_000535.7(PMS2):c.2516_2519del (p.His839fs)

Gene: PMS2 (PMS1 homolog 2, mismatch repair system component; minus strand). Cytogenetic location: 7p22.1.
Variant type: Deletion.
Coding change: c.2516_2519del on transcript NM_000535.7 (MANE Select); coding-DNA positions 2516 to 2519, 4 bases deleted (ACCC; older notation c.2516_2519delACCC).
Protein change: p.His839fs; shifts the reading frame from histidine 839.
Molecular consequence: frameshift variant. On other transcripts: non-coding transcript variant (1).
Genome position (GRCh38, 1-based): chr7:5,973,469-5,973,472, GGGT deleted on the plus strand (ACCC on the coding strand, the reverse complement: PMS2 is on the minus strand); deleting any 4 consecutive bases within chr7:5,973,469-5,973,474 gives the same sequence; the c. name uses the placement nearest the transcript's 3' end. VCF-style (leftmost placement, unchanged base first): chr7-5973468-GGGGT-G. GRCh37 (hg19) VCF-style: chr7-6013099-GGGGT-G.
Other names: c.2109_2112delCCAC, p.His704Profs (NM_001018040.1); c.2111_2114del, p.His704fs (NM_001322003.2, NM_001322004.2, NM_001322005.2 and 11 more transcripts); c.2360_2363del, p.His787fs (NM_001322006.2); c.2198_2201del, p.His733fs (NM_001322007.2, NM_001322008.2, NM_001406883.1); c.2144_2147del, p.His715fs (NM_001322009.2, NM_001406887.1, NM_001406888.1); c.1955_1958del, p.His652fs (NM_001322010.2, NM_001406906.1, NM_001406907.1); c.1583_1586del, p.His528fs (NM_001322011.2, NM_001322012.2); c.1943_1946del, p.His648fs (NM_001322013.2, NM_001406908.1, NM_001406909.1); and 21 more; short protein forms H438fs, H528fs, H582fs, H600fs, H648fs, H652fs, H668fs, H677fs.
Identifiers: ClinVar variation 2677906 (VCV002677906.3), dbSNP rs2535188407, ClinGen allele CA2695198394.

ClinVar aggregate classification (germline): Pathogenic. Review status: criteria provided, multiple submitters, no conflicts (2 of 4 stars). 2 submissions from 2 submitters: Pathogenic (2). Last evaluated 2024-02-19.

Conditions:
Lynch syndrome 4 (LYNCH4). Also called: Colorectal cancer, hereditary nonpolyposis, type 4; Hereditary non-polyposis colorectal cancer, type 4. Identifiers: Orphanet 144, MedGen C1838333, MONDO:0013699, OMIM 614337. Disease mechanism: loss of function.
Hereditary nonpolyposis colorectal neoplasms. Identifiers: MedGen C0009405, MeSH D003123.

Submissions (2):

Labcorp Genetics (formerly Invitae), Labcorp
Classification: Pathogenic for Hereditary nonpolyposis colorectal neoplasms. Last evaluated: 2024-02-19. Review status: criteria provided, single submitter. Criteria: Invitae Variant Classification Sherloc (09022015). Collection method: clinical testing. Allele origin: germline.
Comment: This sequence change creates a premature translational stop signal (p.His839Profs*11) in the PMS2 gene. While this is not anticipated to result in nonsense mediated decay, it is expected to disrupt the last 24 amino acid(s) of the PMS2 protein. The frequency data for this variant in the population databases (gnomAD) is considered unreliable due to the presence of homologous sequence, such as pseudogenes or paralogs, in the genome. This variant has not been reported in the literature in individuals affected with PMS2-related conditions. This variant disrupts a region of the PMS2 protein in which other variant(s) (p.Trp841Glyfs*10) have been determined to be pathogenic (PMID: 26116798, 30764633; Invitae). This suggests that this is a clinically significant region of the protein, and that variants that disrupt it are likely to be disease-causing. For these reasons, this variant has been classified as Pathogenic.

Baylor Genetics
Classification: Pathogenic for Lynch syndrome 4. Last evaluated: 2023-09-29. Review status: criteria provided, single submitter. Criteria: ACMG Guidelines, 2015. Collection method: clinical testing. Allele origin: unknown.

Literature cited by the submitters: PubMed 26116798 (cited by Labcorp Genetics (formerly Invitae), Labcorp); PubMed 30764633 (cited by Labcorp Genetics (formerly Invitae), Labcorp).